The following is an entry in ClinVar:

ClinVar aggregate classification (germline): Uncertain significance. Review status: criteria provided, multiple submitters, no conflicts (2 of 4 stars). 2 submissions from 2 submitters: Uncertain significance (2). Last evaluated 2025-08-25.

Conditions:
Myofibrillar myopathy 4. Also called: Zaspopathy (type). Identifiers: Orphanet 98912, MedGen C4721886, MONDO:0012277, OMIM 609452.
Cardiovascular phenotype. Identifiers: MedGen CN230736.

Allele frequency attached by ClinVar (database versions not stated): gnomAD exomes 0.00004 and 0.00008; TOPMed 0.00004; ExAC 0.00006.
gnomAD v4.1: 22 of 1,613,658 alleles (0.0014%); highest among the groups gnomAD compares: Admixed American, 0.037%; no homozygotes.

Submissions (2):

Labcorp Genetics (formerly Invitae), Labcorp
Classification: Uncertain significance for Myofibrillar myopathy 4. Last evaluated: 2025-08-25. Review status: criteria provided, single submitter. Criteria: Invitae Variant Classification Sherloc (09022015). Collection method: clinical testing. Allele origin: germline.
Comment: The LDB3 gene has multiple clinically relevant transcripts. This variant occurs in alternate transcript NM_007078.3, and corresponds to NM_001080116.1:c.321+1538A>T in the primary transcript. This sequence change replaces glutamine, which is neutral and polar, with leucine, which is neutral and non-polar, at codon 194 of the LDB3 protein (p.Gln194Leu). This variant is present in population databases (rs769852198, gnomAD 0.06%). This variant has not been reported in the literature in individuals affected with LDB3-related conditions. ClinVar contains an entry for this variant (Variation ID: 1130750). Experimental studies and prediction algorithms are not available or were not evaluated, and the functional significance of this variant is currently unknown. Algorithms developed to predict the effect of sequence changes on RNA splicing suggest that this variant is not likely to affect RNA splicing. In summary, the available evidence is currently insufficient to determine the role of this variant in disease. Therefore, it has been classified as a Variant of Uncertain Significance.

Ambry Genetics
Classification: Uncertain significance for Cardiovascular phenotype. Last evaluated: 2023-12-27. Review status: criteria provided, single submitter. Criteria: Ambry Variant Classification Scheme 2023. Collection method: clinical testing. Allele origin: germline.
Comment: The p.Q194L variant (also known as c.581A>T), located in coding exon 4 of the LDB3 gene, results from an A to T substitution at nucleotide position 581. The glutamine at codon 194 is replaced by leucine, an amino acid with dissimilar properties. This amino acid position is well conserved in available vertebrate species. In addition, this alteration is predicted to be tolerated by in silico analysis. Since supporting evidence is limited at this time, the clinical significance of this alteration remains unclear.

NM_007078.3(LDB3):c.581A>T (p.Gln194Leu)

Gene: LDB3 (LIM domain binding 3; plus strand). Cytogenetic location: 10q23.2.
Variant type: single nucleotide variant.
Coding change: c.581A>T on transcript NM_007078.3 (MANE Select); coding-DNA position 581, A replaced by T.
Protein change: p.Gln194Leu; replaces glutamine 194 with leucine.
Molecular consequence: missense variant. On other transcripts: intron variant (5).
Genome position (GRCh38, 1-based): chr10:86,681,695, A>T. VCF-style: chr10-86681695-A-T. GRCh37 (hg19) VCF-style: chr10-88441452-A-T.
Other names: c.581A>T, p.Gln194Leu (NM_001080115.2, NM_001171610.2, NM_001171611.2 and 3 more transcripts); c.321+1538A>T (NM_001368068.1, NM_001368066.1, NM_001080114.2 and 2 more transcripts); short protein forms Q194L.
Identifiers: ClinVar variation 1130750 (VCV001130750.11), dbSNP rs769852198, ClinGen allele CA5584744.